The following is an entry in ClinVar:

ClinVar aggregate classification (germline): Uncertain significance. Review status: criteria provided, multiple submitters, no conflicts (2 of 4 stars). 2 submissions from 2 submitters: Uncertain significance (2). Last evaluated 2025-08-21.

Submissions (2):

Mayo Clinic Laboratories, Mayo Clinic
Classification: Uncertain significance. Last evaluated: 2025-08-21. Review status: criteria provided, single submitter. Criteria: ACMG Guidelines, 2015. Collection method: clinical testing. Allele origin: germline. Observed: 1 variant allele.
Comment: PM2_supporting

Labcorp Genetics (formerly Invitae), Labcorp
Classification: Uncertain significance. Last evaluated: 2024-10-10. Review status: criteria provided, single submitter. Criteria: Invitae Variant Classification Sherloc (09022015). Collection method: clinical testing. Allele origin: germline.
Comment: This sequence change replaces proline, which is neutral and non-polar, with serine, which is neutral and polar, at codon 669 of the NEFH protein (p.Pro669Ser). This variant is not present in population databases (gnomAD no frequency). This variant has not been reported in the literature in individuals affected with NEFH-related conditions. Invitae Evidence Modeling of protein sequence and biophysical properties (such as structural, functional, and spatial information, amino acid conservation, physicochemical variation, residue mobility, and thermodynamic stability) indicates that this missense variant is not expected to disrupt NEFH protein function with a negative predictive value of 95%. In summary, the available evidence is currently insufficient to determine the role of this variant in disease. Therefore, it has been classified as a Variant of Uncertain Significance.

NM_021076.4(NEFH):c.2005C>T (p.Pro669Ser)

Gene: NEFH (neurofilament heavy chain; plus strand). Cytogenetic location: 22q12.2.
Variant type: single nucleotide variant.
Coding change: c.2005C>T on transcript NM_021076.4 (MANE Select); coding-DNA position 2005, C replaced by T.
Protein change: p.Pro669Ser; replaces proline 669 with serine.
Molecular consequence: missense variant.
Genome position (GRCh38, 1-based): chr22:29,489,645, C>T. VCF-style: chr22-29489645-C-T. GRCh37 (hg19) VCF-style: chr22-29885634-C-T.
Other names: p.Pro669Ser; short protein forms P669S.
Identifiers: ClinVar variation 3711987 (VCV003711987.3).